The following is an entry in ClinVar:

NM_001242957.3(MAK):c.484A>T (p.Thr162Ser)

Gene: MAK (male germ cell associated kinase; minus strand). Cytogenetic location: 6p24.2.
Variant type: single nucleotide variant.
Coding change: c.484A>T on transcript NM_001242957.3 (MANE Select); coding-DNA position 484, A replaced by T.
Protein change: p.Thr162Ser; replaces threonine 162 with serine.
Molecular consequence: missense variant. On other transcripts: non-coding transcript variant (2).
Genome position (GRCh38, 1-based): chr6:10,808,817, T>A on the plus strand (A>T on the coding strand, the complement: MAK is on the minus strand). VCF-style: chr6-10808817-T-A. GRCh37 (hg19) VCF-style: chr6-10809050-T-A.
Other names: c.382A>T, p.Thr128Ser (NM_001377262.1); c.484A>T, p.Thr162Ser (NM_005906.6, NM_001242385.2); short protein forms T128S, T162S.
Identifiers: ClinVar variation 1042232 (VCV001042232.8), dbSNP rs145065729, ClinGen allele CA3633713.

ClinVar aggregate classification (germline): Uncertain significance (1 of 4 stars; one submission).

Allele frequency attached by ClinVar (database versions not stated): gnomAD exomes below 0.00001; ExAC 0.00001; TOPMed 0.00001; ESP Exome Variant Server 0.00008.

Submission:

Labcorp Genetics (formerly Invitae), Labcorp
Classification: Uncertain significance. Last evaluated: 2022-02-24. Review status: criteria provided, single submitter. Criteria: Invitae Variant Classification Sherloc (09022015). Collection method: clinical testing. Allele origin: germline.
Comment: In summary, the available evidence is currently insufficient to determine the role of this variant in disease. Therefore, it has been classified as a Variant of Uncertain Significance. Experimental studies and prediction algorithms are not available or were not evaluated, and the functional significance of this variant is currently unknown. ClinVar contains an entry for this variant (Variation ID: 1042232). This variant has not been reported in the literature in individuals affected with MAK-related conditions. This variant is present in population databases (rs145065729, gnomAD 0.007%). This sequence change replaces threonine, which is neutral and polar, with serine, which is neutral and polar, at codon 162 of the MAK protein (p.Thr162Ser).